The following is an entry in ClinVar:

NM_001267550.2(TTN):c.104995C>T (p.Leu34999=)

Genes: TTN-AS1 (TTN antisense RNA 1; plus strand), TTN (titin; minus strand). Cytogenetic location: 2q31.2.
Variant type: single nucleotide variant.
Coding change: c.104995C>T on transcript NM_001267550.2 (MANE Select); coding-DNA position 104995, C replaced by T.
Protein change: p.Leu34999=; no amino-acid change (leucine 34999 retained).
Molecular consequence: synonymous variant.
Genome position (GRCh38, 1-based): chr2:178,531,620, G>A on the plus strand (C>T on the coding strand, the complement: TTN is on the minus strand). VCF-style: chr2-178531620-G-A. GRCh37 (hg19) VCF-style: chr2-179396347-G-A.
Other names: c.97291C>T, p.Leu32431= (NM_133378.4); c.100072C>T, p.Leu33358= (NM_001256850.1); c.77800C>T, p.Leu25934= (NM_003319.4); c.78175C>T, p.Leu26059= (NM_133432.3); c.78376C>T, p.Leu26126= (NM_133437.4).
Identifiers: ClinVar variation 165638 (VCV000165638.21), dbSNP rs727503532, ClinGen allele CA178368.
Genomic context (GRCh38, chr2:178,531,620, plus strand): 5'-AGTTGGTGCACACAGCACGGTAGGTTCCACTGTCATCAGTATGACAGTCCAGAATTTCCA[G>A]GGTGAGGACTCCACTCGTGTTGGTGTAATGAATCTTACTGCTTTCTTGGAGTTCCACACC-3'
Protein context (NP_001254479.2, residues 34989-35009): HYTNTSGVLT[Leu34999=]EILDCHTDDS

ClinVar aggregate classification (germline): Likely benign. Review status: criteria provided, multiple submitters, no conflicts (2 of 4 stars). 5 submissions from 5 submitters: Likely benign (5). Last evaluated 2026-01-21.

Conditions:
Cardiovascular phenotype. Identifiers: MedGen CN230736.
Dilated cardiomyopathy 1G (CMD1G). Identifiers: Orphanet 154, MedGen C1858763, MONDO:0011400, OMIM 604145.
Autosomal recessive limb-girdle muscular dystrophy type 2J (LGMDR10). Also called: Limb-girdle muscular dystrophy, type 2J; MUSCULAR DYSTROPHY, LIMB-GIRDLE, AUTOSOMAL RECESSIVE 10. Identifiers: Orphanet 140922, MedGen C1837342, MONDO:0012127, OMIM 608807.

Allele frequency attached by ClinVar (database versions not stated): gnomAD exomes below 0.00001; TOPMed 0.00001.
gnomAD v4.1: 32 of 1,613,870 alleles (0.002%); highest among the groups gnomAD compares: Non-Finnish European, 0.0025%; no homozygotes.

Submissions (5):

Labcorp Genetics (formerly Invitae), Labcorp
Classification: Likely benign for Dilated cardiomyopathy 1G; Autosomal recessive limb-girdle muscular dystrophy type 2J. Last evaluated: 2026-01-21. Review status: criteria provided, single submitter. Criteria: Invitae Variant Classification Sherloc (09022015). Collection method: clinical testing. Allele origin: germline.

Women's Health and Genetics/Laboratory Corporation of America, LabCorp
Classification: Likely benign. Last evaluated: 2025-06-10. Review status: criteria provided, single submitter. Criteria: LabCorp Variant Classification Summary - May 2015. Collection method: clinical testing. Allele origin: germline.

GeneDx
Classification: Likely benign. Last evaluated: 2020-03-10. Review status: criteria provided, single submitter. Criteria: GeneDx Variant Classification Process June 2021. Collection method: clinical testing. Allele origin: germline. Affected: yes.

Ambry Genetics
Classification: Likely benign for Cardiovascular phenotype. Last evaluated: 2019-08-01. Review status: criteria provided, single submitter. Criteria: Ambry Variant Classification Scheme 2023. Collection method: clinical testing. Allele origin: germline.

Laboratory for Molecular Medicine, Mass General Brigham Personalized Medicine
Classification: Likely benign. Last evaluated: 2013-05-03. Review status: criteria provided, single submitter. Criteria: LMM Criteria. Collection method: clinical testing. Allele origin: germline. Observed: 1 variant allele.
Comment: Leu32431Leu in exon 307 of TTN: This variant is not expected to have clinical si gnificance because it does not alter an amino acid residue and is not located wi thin the splice consensus sequence. Leu32431Leu in exon 307 of TTN (allele freq uency = n/a)